The following is an entry in ClinVar:

ClinVar aggregate classification (germline): Pathogenic (1 of 4 stars; one submission).

Conditions:
Hereditary cancer-predisposing syndrome. Also called: Neoplastic Syndromes, Hereditary; Tumor predisposition; Hereditary neoplastic syndrome; Hereditary Cancer Syndrome. Identifiers: Orphanet 140162, MedGen C0027672, MeSH D009386, MONDO:0015356.
Cardiovascular phenotype. Identifiers: MedGen CN230736.

Submission:

Ambry Genetics
Classification: Pathogenic for Cardiovascular phenotype; Hereditary cancer-predisposing syndrome. Last evaluated: 2018-04-25. Review status: criteria provided, single submitter. Criteria: Ambry Variant Classification Scheme 2023. Collection method: clinical testing. Allele origin: germline.
Comment: The c.6086_6087delTTinsGGC pathogenic mutation, located in coding exon 41 of the NF1 gene, results from the deletion of two nucleotides and insertion of 3 nucleotides causing a translational frameshift with a predicted alternate stop codon (p.V2029Gfs*10). This alteration is expected to result in loss of function by premature protein truncation or nonsense-mediated mRNA decay. As such, this alteration is interpreted as a disease-causing mutation.

NM_001042492.3(NF1):c.6149_6150delinsGGC (p.Val2050fs)

Gene: NF1 (neurofibromin 1; plus strand). Cytogenetic location: 17q11.2.
Variant type: Indel.
Coding change: c.6149_6150delinsGGC on transcript NM_001042492.3 (MANE Select); coding-DNA positions 6149 to 6150, TT replaced by GGC.
Protein change: p.Val2050fs; shifts the reading frame from valine 2050.
Molecular consequence: frameshift variant.
Genome position (GRCh38, 1-based): chr17:31,336,636-31,336,637, TT replaced by GGC. VCF-style: chr17-31336636-TT-GGC. GRCh37 (hg19) VCF-style: chr17-29663654-TT-GGC.
Other names: c.6086_6087delTTinsGGC (NM_000267.3); c.6086_6087delTTinsGGC, p.Val2029Glyfs (NM_000267.4); short protein forms V2029fs, V2050fs.
Identifiers: ClinVar variation 826176 (VCV000826176.4), dbSNP rs1597842710, ClinGen allele CA915949906.